The following is an entry in ClinVar:

NM_144773.4(PROKR2):c.818C>A (p.Thr273Lys)

Gene: PROKR2 (prokineticin receptor 2; minus strand). Cytogenetic location: 20p12.3.
Variant type: single nucleotide variant.
Coding change: c.818C>A on transcript NM_144773.4 (MANE Select); coding-DNA position 818, C replaced by A.
Protein change: p.Thr273Lys; replaces threonine 273 with lysine.
Molecular consequence: missense variant.
Genome position (GRCh38, 1-based): chr20:5,302,377, G>T on the plus strand (C>A on the coding strand, the complement: PROKR2 is on the minus strand). VCF-style: chr20-5302377-G-T. GRCh37 (hg19) VCF-style: chr20-5283023-G-T.
Other names: short protein forms T273K.
Identifiers: ClinVar variation 1299255 (VCV001299255.1), dbSNP rs779117079, ClinGen allele CA408166873.

ClinVar aggregate classification (germline): Uncertain significance (1 of 4 stars; one submission).

Conditions:
Hypogonadotropic hypogonadism 3 with or without anosmia (HH3). Also called: HYPOGONADOTROPIC HYPOGONADISM 3 WITH ANOSMIA; PROKR2-Related GnRH Deficiency (Kallmann Syndrome 3). Identifiers: Orphanet 478, MedGen C3550478, MONDO:0009482, OMIM 244200.

Submission:

Breda Genetics srl
Classification: Uncertain significance for Hypogonadotropic hypogonadism 3 with or without anosmia. Last evaluated: 2021-01-14. Review status: criteria provided, single submitter. Criteria: ACMG Guidelines, 2015. Collection method: clinical testing. Allele origin: germline. Inheritance: Autosomal dominant inheritance. Affected: yes. Observed: 1 variant allele, 1 heterozygote.
Comment: Based on allele frequency, in-silico prediction scores and a certain overlap with the clinical phenotype, we interpreted this variant at least as of uncertain significance. The lack of one or more of the following features has discouraged further investigations: lack of a possible second hit in autosomal recessive conditions, presence of healthy controls in databases for autosomal dominant conditions, presence of unmatching cardinal clinical features in the patient or in the known gene-disease association, and/or variant type outside the known gene mutational spectrum.